The following is an entry in ClinVar:

NM_001267550.2(TTN):c.59605dup (p.Ser19869fs)

Genes: TTN (titin; minus strand), TTN-AS1 (TTN antisense RNA 1; plus strand), LOC126806424 (CDK7 strongly-dependent group 2 enhancer GRCh37_chr2:179456337-179457536; plus strand). Cytogenetic location: 2q31.2.
Variant type: Duplication.
Coding change: c.59605dup on transcript NM_001267550.2 (MANE Select); coding-DNA position 59605, one base duplicated (T; older notation c.59605dupT).
Protein change: p.Ser19869fs; shifts the reading frame from serine 19869.
Molecular consequence: frameshift variant.
Genome position (GRCh38, 1-based): chr2:178,592,400, A duplicated on the plus strand (T on the coding strand, the reverse complement: TTN is on the minus strand). VCF-style (leftmost placement, unchanged base first): chr2-178592399-G-GA. GRCh37 (hg19) VCF-style: chr2-179457126-G-GA.
Other names: c.54682dup, p.Ser18228fs (NM_001256850.1); c.32410dup, p.Ser10804fs (NM_003319.4); c.51901dup, p.Ser17301fs (NM_133378.4); c.32785dup, p.Ser10929fs (NM_133432.3); c.32986dup, p.Ser10996fs (NM_133437.4); c.32410dupT (NM_003319.4); short protein forms S10996fs, S10804fs, S10929fs, S17301fs, S18228fs, S19869fs.
Identifiers: ClinVar variation 1729306 (VCV001729306.2), dbSNP rs2469530688, ClinGen allele CA2580064881.

ClinVar aggregate classification (germline): Likely pathogenic (1 of 4 stars; one submission).

Conditions:
Cardiovascular phenotype. Identifiers: MedGen CN230736.

Submission:

Ambry Genetics
Classification: Likely pathogenic for Cardiovascular phenotype. Last evaluated: 2021-10-27. Review status: criteria provided, single submitter. Criteria: Ambry Variant Classification Scheme 2023. Collection method: clinical testing. Allele origin: germline.
Comment: The c.32410dupT variant, located in coding exon 128 of the TTN gene, results from a duplication of T at nucleotide position 32410, causing a translational frameshift with a predicted alternate stop codon (p.S10804Ffs*9). This exon is located in the A-band region of the N2-B isoform of the titin protein and is constitutively expressed in TTN transcripts (percent spliced in or PSI 100%). This variant is considered to be rare based on population cohorts in the Genome Aggregation Database (gnomAD). This alteration is expected to result in loss of function by premature protein truncation or nonsense-mediated mRNA decay. While truncating variants in TTN are present in 1-3% of the general population, truncating variants in the A-band are the most common cause of dilated cardiomyopathy (DCM) (Herman DS et al. N. Engl. J. Med., 2012 Feb;366:619-28; Roberts AM et al. Sci Transl Med, 2015 Jan;7:270ra6). TTN truncating variants encoded in constitutive exons (PSI >90%) have been found to be significantly associated with DCM regardless of their position in titin (Schafer S et al. Nat. Genet., 2017 01;49:46-53). As such, this alteration is classified as likely pathogenic.